The following is an entry in ClinVar:

NM_003079.5(SMARCE1):c.913_915del (p.Lys305del)

Gene: SMARCE1 (SWI/SNF related BAF chromatin remodeling complex subunit E1; minus strand). Cytogenetic location: 17q21.2.
Variant type: Deletion.
Coding change: c.913_915del on transcript NM_003079.5 (MANE Select); coding-DNA positions 913 to 915, 3 bases deleted (AAG; older notation c.913_915delAAG).
Protein change: p.Lys305del; deletes lysine 305.
Molecular consequence: inframe deletion.
Genome position (GRCh38, 1-based): chr17:40,630,826-40,630,828, CTT deleted on the plus strand (AAG on the coding strand, the reverse complement: SMARCE1 is on the minus strand); deleting any 3 consecutive bases within chr17:40,630,826-40,630,830 gives the same sequence; the c. name uses the placement nearest the transcript's 3' end. VCF-style (leftmost placement, unchanged base first): chr17-40630825-CCTT-C. GRCh37 (hg19) VCF-style: chr17-38787077-CCTT-C.
Other names: short protein forms K305del.
Identifiers: ClinVar variation 1405872 (VCV001405872.10), dbSNP rs770456331, ClinGen allele CA8545139.

ClinVar aggregate classification (germline): Uncertain significance. Review status: criteria provided, multiple submitters, no conflicts (2 of 4 stars). 3 submissions from 3 submitters: Uncertain significance (3). Last evaluated 2025-11-05.

Conditions:
Familial meningioma. Also called: Meningioma, familial, susceptibility to. Identifiers: Orphanet 263662, MedGen C3551915, MONDO:0011789, OMIM 607174.
Hereditary cancer-predisposing syndrome. Also called: Hereditary neoplastic syndrome; Hereditary Cancer Syndrome; Neoplastic Syndromes, Hereditary; Tumor predisposition. Identifiers: Orphanet 140162, MedGen C0027672, MeSH D009386, MONDO:0015356.

Submissions (3):

Labcorp Genetics (formerly Invitae), Labcorp
Classification: Uncertain significance for Familial meningioma. Last evaluated: 2025-11-05. Review status: criteria provided, single submitter. Criteria: Invitae Variant Classification Sherloc (09022015). Collection method: clinical testing. Allele origin: germline.
Comment: This variant, c.913_915del, results in the deletion of 1 amino acid(s) of the SMARCE1 protein (p.Lys305del), but otherwise preserves the integrity of the reading frame. This variant is present in population databases (rs770456331, gnomAD 0.003%). This variant has not been reported in the literature in individuals affected with SMARCE1-related conditions. ClinVar contains an entry for this variant (Variation ID: 1405872). Experimental studies and prediction algorithms are not available or were not evaluated, and the functional significance of this variant is currently unknown. In summary, the available evidence is currently insufficient to determine the role of this variant in disease. Therefore, it has been classified as a Variant of Uncertain Significance.

Ambry Genetics
Classification: Uncertain significance for Hereditary cancer-predisposing syndrome. Last evaluated: 2024-11-13. Review status: criteria provided, single submitter. Criteria: Ambry Variant Classification Scheme 2023. Collection method: clinical testing. Allele origin: germline.
Comment: The c.913_915delAAG variant (also known as p.K305del) is located in coding exon 9 of the SMARCE1 gene. This variant results from an in-frame AAG deletion at nucleotide positions 913 to 915. This results in the in-frame deletion of a lysine residue at codon 305. This amino acid position is well conserved in available vertebrate species. In addition, the in silico prediction for this alteration is inconclusive (Choi Y et al. PLoS ONE. 2012; 7(10):e46688). Based on the available evidence, the clinical significance of this variant remains unclear.

Baylor Genetics
Classification: Uncertain significance for Familial meningioma. Last evaluated: 2023-08-05. Review status: criteria provided, single submitter. Criteria: ACMG Guidelines, 2015. Collection method: clinical testing. Allele origin: unknown.